The following is an entry in ClinVar:

NM_005751.5(AKAP9):c.4001C>G (p.Thr1334Ser)

Gene: AKAP9 (A-kinase anchoring protein 9; plus strand). Cytogenetic location: 7q21.2.
Variant type: single nucleotide variant.
Coding change: c.4001C>G on transcript NM_005751.5 (MANE Select); coding-DNA position 4001, C replaced by G.
Protein change: p.Thr1334Ser; replaces threonine 1334 with serine.
Molecular consequence: missense variant.
Genome position (GRCh38, 1-based): chr7:92,022,862, C>G. VCF-style: chr7-92022862-C-G. GRCh37 (hg19) VCF-style: chr7-91652176-C-G.
Other names: c.4001C>G, p.Thr1334Ser (NM_147185.3); short protein forms T1334S.
Identifiers: ClinVar variation 3106844 (VCV003106844.2), dbSNP rs767035326, ClinGen allele CA4336458.

ClinVar aggregate classification (germline): Uncertain significance (1 of 4 stars; one submission).

Conditions:
Cardiovascular phenotype. Identifiers: MedGen CN230736.

Allele frequency attached by ClinVar (database versions not stated): ExAC 0.00001.

Submission:

Ambry Genetics
Classification: Uncertain significance for Cardiovascular phenotype. Last evaluated: 2024-11-10. Review status: criteria provided, single submitter. Criteria: Ambry Variant Classification Scheme 2023. Collection method: clinical testing. Allele origin: germline.
Comment: The p.T1334S variant (also known as c.4001C>G), located in coding exon 14 of the AKAP9 gene, results from a C to G substitution at nucleotide position 4001. The threonine at codon 1334 is replaced by serine, an amino acid with similar properties. This amino acid position is conserved. In addition, this alteration is predicted to be tolerated by in silico analysis. Based on the available evidence, the clinical significance of this variant remains unclear.